The following is an entry in ClinVar:

ClinVar aggregate classification (germline): Uncertain significance. Review status: criteria provided, multiple submitters, no conflicts (2 of 4 stars). 3 submissions from 3 submitters: Uncertain significance (3). Last evaluated 2024-04-30.

Conditions:
Hereditary cancer-predisposing syndrome. Also called: Hereditary neoplastic syndrome; Tumor predisposition; Neoplastic Syndromes, Hereditary; Hereditary Cancer Syndrome. Identifiers: Orphanet 140162, MedGen C0027672, MeSH D009386, MONDO:0015356.
Renal cell carcinoma. Identifiers: Orphanet 217071, MedGen C0007134, MeSH D002292, MONDO:0005086, HP:0005584.

gnomAD v4.1: 3 of 1,614,032 alleles (0.00019%); highest among the groups gnomAD compares: Non-Finnish European, 0.00025%; no homozygotes.

Submissions (3):

GeneDx
Classification: Uncertain significance. Last evaluated: 2024-04-30. Review status: criteria provided, single submitter. Criteria: GeneDx Variant Classification Process June 2021. Collection method: clinical testing. Allele origin: germline. Affected: yes.
Comment: Not observed at significant frequency in large population cohorts (gnomAD); In silico analysis indicates that this missense variant does not alter protein structure/function; Has not been previously published as pathogenic or benign to our knowledge

Labcorp Genetics (formerly Invitae), Labcorp
Classification: Uncertain significance for Renal cell carcinoma. Last evaluated: 2023-10-11. Review status: criteria provided, single submitter. Criteria: Invitae Variant Classification Sherloc (09022015). Collection method: clinical testing. Allele origin: germline.
Comment: This sequence change replaces aspartic acid, which is acidic and polar, with glutamic acid, which is acidic and polar, at codon 127 of the MET protein (p.Asp127Glu). This variant is not present in population databases (gnomAD no frequency). This variant has not been reported in the literature in individuals affected with MET-related conditions. ClinVar contains an entry for this variant (Variation ID: 1347908). An algorithm developed to predict the effect of missense changes on protein structure and function (PolyPhen-2) suggests that this variant is likely to be disruptive. In summary, the available evidence is currently insufficient to determine the role of this variant in disease. Therefore, it has been classified as a Variant of Uncertain Significance.

Ambry Genetics
Classification: Uncertain significance for Hereditary cancer-predisposing syndrome. Last evaluated: 2023-09-01. Review status: criteria provided, single submitter. Criteria: Ambry Variant Classification Scheme 2023. Collection method: clinical testing. Allele origin: germline.
Comment: The p.D127E variant (also known as c.381T>A), located in coding exon 1 of the MET gene, results from a T to A substitution at nucleotide position 381. The aspartic acid at codon 127 is replaced by glutamic acid, an amino acid with highly similar properties. This amino acid position is highly conserved in available vertebrate species. In addition, this alteration is predicted to be tolerated by in silico analysis. Since supporting evidence is limited at this time, the clinical significance of this alteration remains unclear.

NM_000245.4(MET):c.381T>A (p.Asp127Glu)

Gene: MET (MET proto-oncogene, receptor tyrosine kinase; plus strand). Cytogenetic location: 7q31.2.
Variant type: single nucleotide variant.
Coding change: c.381T>A on transcript NM_000245.4 (MANE Select); coding-DNA position 381, T replaced by A.
Protein change: p.Asp127Glu; replaces aspartic acid 127 with glutamic acid.
Molecular consequence: missense variant. On other transcripts: intron variant (1).
Genome position (GRCh38, 1-based): chr7:116,699,465, T>A. VCF-style: chr7-116699465-T-A. GRCh37 (hg19) VCF-style: chr7-116339519-T-A.
Other names: c.381T>A, p.Asp127Glu (NM_001127500.3, NM_001324401.3); c.-91+26888T>A (NM_001324402.2); c.381T>A (NM_001127500.1); short protein forms D127E.
Identifiers: ClinVar variation 1347908 (VCV001347908.8), dbSNP rs2116587402, ClinGen allele CA368968951.